The following is an entry in ClinVar:

ClinVar aggregate classification (germline): Uncertain significance. Review status: criteria provided, multiple submitters, no conflicts (2 of 4 stars). 2 submissions from 2 submitters: Uncertain significance (2). Last evaluated 2026-04-20.

Conditions:
Bloom syndrome (BLM). Also called: Bloom-Torre-Machacek syndrome. Identifiers: Orphanet 125, MedGen C0005859, MONDO:0008876, OMIM 210900.
Hereditary cancer-predisposing syndrome. Also called: Tumor predisposition; Neoplastic Syndromes, Hereditary; Hereditary Cancer Syndrome; Hereditary neoplastic syndrome. Identifiers: Orphanet 140162, MedGen C0027672, MeSH D009386, MONDO:0015356.

Submissions (2):

Ambry Genetics
Classification: Uncertain significance for Hereditary cancer-predisposing syndrome. Last evaluated: 2026-04-20. Review status: criteria provided, single submitter. Criteria: Ambry Variant Classification Scheme 2023. Collection method: clinical testing. Allele origin: germline.
Comment: The p.S1353N variant (also known as c.4058G>A), located in coding exon 20 of the BLM gene, results from a G to A substitution at nucleotide position 4058. The serine at codon 1353 is replaced by asparagine, an amino acid with highly similar properties. This amino acid position is conserved. In addition, this alteration is predicted to be tolerated by in silico analysis. Based on the available evidence, the clinical significance of this variant remains unclear.

Labcorp Genetics (formerly Invitae), Labcorp
Classification: Uncertain significance for Bloom syndrome. Last evaluated: 2021-07-11. Review status: criteria provided, single submitter. Criteria: Invitae Variant Classification Sherloc (09022015). Collection method: clinical testing. Allele origin: germline.
Comment: This sequence change replaces serine with asparagine at codon 1353 of the BLM protein (p.Ser1353Asn). The serine residue is weakly conserved and there is a small physicochemical difference between serine and asparagine. This variant is not present in population databases (ExAC no frequency). This variant has not been reported in the literature in individuals affected with BLM-related conditions. Algorithms developed to predict the effect of missense changes on protein structure and function (SIFT, PolyPhen-2, Align-GVGD) all suggest that this variant is likely to be tolerated. In summary, the available evidence is currently insufficient to determine the role of this variant in disease. Therefore, it has been classified as a Variant of Uncertain Significance.

NM_000057.4(BLM):c.4058G>A (p.Ser1353Asn)

Gene: BLM (BLM RecQ like helicase; plus strand). Cytogenetic location: 15q26.1.
Variant type: single nucleotide variant.
Coding change: c.4058G>A on transcript NM_000057.4 (MANE Select); coding-DNA position 4058, G replaced by A.
Protein change: p.Ser1353Asn; replaces serine 1353 with asparagine.
Molecular consequence: missense variant.
Genome position (GRCh38, 1-based): chr15:90,811,388, G>A. VCF-style: chr15-90811388-G-A. GRCh37 (hg19) VCF-style: chr15-91354618-G-A.
Other names: c.4058G>A, p.Ser1353Asn (NM_001287246.2); c.3665G>A, p.Ser1222Asn (NM_001287247.2); c.2933G>A, p.Ser978Asn (NM_001287248.2); c.4058G>A (NM_000057.2); short protein forms S1353N, S978N, S1222N.
Identifiers: ClinVar variation 1470700 (VCV001470700.9), dbSNP rs1897417072, ClinGen allele CA393851511.